The following is an entry in ClinVar:

NM_001103.4(ACTN2):c.1239C>G (p.His413Gln)

Gene: ACTN2 (actinin alpha 2; plus strand). Cytogenetic location: 1q43.
Variant type: single nucleotide variant.
Coding change: c.1239C>G on transcript NM_001103.4 (MANE Select); coding-DNA position 1239, C replaced by G.
Protein change: p.His413Gln; replaces histidine 413 with glutamine.
Molecular consequence: missense variant.
Genome position (GRCh38, 1-based): chr1:236,743,027, C>G. VCF-style: chr1-236743027-C-G. GRCh37 (hg19) VCF-style: chr1-236906327-C-G.
Other names: c.1239C>G (NM_001103.2, NM_001103.3); c.1239C>G, p.His413Gln (NM_001278343.2); c.615C>G, p.His205Gln (NM_001278344.2); short protein forms H205Q, H413Q.
Identifiers: ClinVar variation 1064111 (VCV001064111.12), dbSNP rs771579640, ClinGen allele CA1473081.

ClinVar aggregate classification (germline): Uncertain significance. Review status: criteria provided, multiple submitters, no conflicts (2 of 4 stars). 3 submissions from 3 submitters: Uncertain significance (3). Last evaluated 2026-04-15.

Conditions:
ACTN2-related disorder. Also called: ACTN2-related disorders; ACTN2 related condition.
Primary familial hypertrophic cardiomyopathy (HCM). Identifiers: Orphanet 99739, MedGen C0949658, MeSH D024741, MONDO:0024573. Inheritance: Various modes of inheritance.
Dilated cardiomyopathy 1AA (CMD1AA). Also called: Cardiomyopathy, dilated, 1AA, with or without LVNC; CARDIOMYOPATHY, DILATED, 1AA, WITH OR WITHOUT LEFT VENTRICULAR NONCOMPACTION; CARDIOMYOPATHY, FAMILIAL HYPERTROPHIC, 23, WITH OR WITHOUT LEFT VENTRICULAR NONCOMPACTION. Identifiers: Orphanet 154, MedGen C2677338, MONDO:0012808, OMIM 612158.
Cardiovascular phenotype. Identifiers: MedGen CN230736.

Allele frequency attached by ClinVar (database versions not stated): gnomAD exomes 0.00001; ExAC 0.00002.
gnomAD v4.1: 12 of 1,613,924 alleles (0.00074%); highest among the groups gnomAD compares: Non-Finnish European, 0.00085%; no homozygotes.

Submissions (3):

PreventionGenetics, part of Exact Sciences
Classification: Uncertain significance for ACTN2-related condition. Last evaluated: 2026-04-15. Review status: criteria provided, single submitter. Criteria: ACMG Guidelines, 2015. Collection method: clinical testing. Allele origin: germline.
Comment: The ACTN2 c.1239C>G variant is predicted to result in the amino acid substitution p.His413Gln. To our knowledge, this variant has not been reported in the literature. This variant is reported in 0.0046% of alleles in individuals of European (Non-Finnish) descent in gnomAD. At this time, the clinical significance of this variant is uncertain due to the absence of conclusive functional and genetic evidence.

Labcorp Genetics (formerly Invitae), Labcorp
Classification: Uncertain significance for Primary familial hypertrophic cardiomyopathy; Dilated cardiomyopathy 1AA. Last evaluated: 2025-04-19. Review status: criteria provided, single submitter. Criteria: Invitae Variant Classification Sherloc (09022015). Collection method: clinical testing. Allele origin: germline.
Comment: This sequence change replaces histidine, which is basic and polar, with glutamine, which is neutral and polar, at codon 413 of the ACTN2 protein (p.His413Gln). This variant is present in population databases (rs771579640, gnomAD 0.005%). This variant has not been reported in the literature in individuals affected with ACTN2-related conditions. ClinVar contains an entry for this variant (Variation ID: 1064111). Invitae Evidence Modeling of protein sequence and biophysical properties (such as structural, functional, and spatial information, amino acid conservation, physicochemical variation, residue mobility, and thermodynamic stability) has been performed for this missense variant. However, the output from this modeling did not meet the statistical confidence thresholds required to predict the impact of this variant on ACTN2 protein function. In summary, the available evidence is currently insufficient to determine the role of this variant in disease. Therefore, it has been classified as a Variant of Uncertain Significance.

Ambry Genetics
Classification: Uncertain significance for Cardiovascular phenotype. Last evaluated: 2024-02-04. Review status: criteria provided, single submitter. Criteria: Ambry Variant Classification Scheme 2023. Collection method: clinical testing. Allele origin: germline.
Comment: The p.H413Q variant (also known as c.1239C>G), located in coding exon 11 of the ACTN2 gene, results from a C to G substitution at nucleotide position 1239. The histidine at codon 413 is replaced by glutamine, an amino acid with highly similar properties. This amino acid position is conserved. In addition, the in silico prediction for this alteration is inconclusive. Based on the available evidence, the clinical significance of this alteration remains unclear.